The following is an entry in ClinVar:

ClinVar aggregate classification (germline): Uncertain significance. Review status: criteria provided, multiple submitters, no conflicts (2 of 4 stars). 2 submissions from 2 submitters: Uncertain significance (2). Last evaluated 2024-10-07.

Conditions:
Leukocyte adhesion deficiency 1 (LAD1). Also called: LEUKOCYTE ADHESION DEFICIENCY, TYPE I; LAD 1; Lymphocyte function-associated antigen 1 immunodeficiency; LFA 1 immunodeficiency. Identifiers: Orphanet 2968, Orphanet 99842, MedGen C0398738, MONDO:0007293, OMIM 116920.

Allele frequency attached by ClinVar (database versions not stated): TOPMed 0.00001; ExAC 0.00004; 1000 Genomes Project 0.00020; 1000 Genomes Project 30x 0.00031.
gnomAD v4.1: 42 of 1,614,142 alleles (0.0026%); highest among the groups gnomAD compares: South Asian, 0.018%; no homozygotes.

Submissions (2):

Blueprint Genetics
Classification: Uncertain significance. Last evaluated: 2024-10-07. Review status: criteria provided, single submitter. Criteria: ACMG Guidelines, 2015. Collection method: clinical testing. Allele origin: germline.

Labcorp Genetics (formerly Invitae), Labcorp
Classification: Uncertain significance for Leukocyte adhesion deficiency 1. Last evaluated: 2022-07-11. Review status: criteria provided, single submitter. Criteria: Invitae Variant Classification Sherloc (09022015). Collection method: clinical testing. Allele origin: germline.
Comment: This sequence change replaces arginine, which is basic and polar, with glutamine, which is neutral and polar, at codon 108 of the ITGB2 protein (p.Arg108Gln). This variant is present in population databases (rs550007417, gnomAD 0.02%). This variant has not been reported in the literature in individuals affected with ITGB2-related conditions. ClinVar contains an entry for this variant (Variation ID: 939006). Algorithms developed to predict the effect of missense changes on protein structure and function (SIFT, PolyPhen-2, Align-GVGD) all suggest that this variant is likely to be disruptive. In summary, the available evidence is currently insufficient to determine the role of this variant in disease. Therefore, it has been classified as a Variant of Uncertain Significance.

NM_000211.5(ITGB2):c.323G>A (p.Arg108Gln)

Gene: ITGB2 (integrin subunit beta 2; minus strand). Cytogenetic location: 21q22.3.
Variant type: single nucleotide variant.
Coding change: c.323G>A on transcript NM_000211.5 (MANE Select); coding-DNA position 323, G replaced by A.
Protein change: p.Arg108Gln; replaces arginine 108 with glutamine.
Molecular consequence: missense variant.
Genome position (GRCh38, 1-based): chr21:44,906,920, C>T on the plus strand (G>A on the coding strand, the complement: ITGB2 is on the minus strand). VCF-style: chr21-44906920-C-T. GRCh37 (hg19) VCF-style: chr21-46326835-C-T.
Other names: c.323G>A, p.Arg108Gln (NM_001127491.3); c.116G>A, p.Arg39Gln (NM_001303238.2); short protein forms R108Q, R39Q.
Identifiers: ClinVar variation 939006 (VCV000939006.8), dbSNP rs550007417, ClinGen allele CA10063263.